The following is an entry in ClinVar:

ClinVar aggregate classification (germline): Uncertain significance (1 of 4 stars; one submission).

Conditions:
3-hydroxyisobutyryl-CoA hydrolase deficiency. Also called: HIBCH DEFICIENCY; METHACRYLIC ACID TOXICITY; METHACRYLIC ACIDURIA; VALINE METABOLIC DEFECT; Reduced circulating 3-hydroxyisobutyryl-CoA hydrolase activity; Deficiency of 3-hydroxyisobutyryl CoA hydrolase. Identifiers: Orphanet 88639, MedGen C0342738, MONDO:0009603, OMIM 250620, HP:6000215.

Allele frequency attached by ClinVar (database versions not stated): gnomAD exomes below 0.00001; TOPMed below 0.00001; ExAC 0.00001.
gnomAD v4.1: 1 of 1,606,694 alleles (0.000062%); highest among the groups gnomAD compares: Admixed American, 0.0017%; no homozygotes.

Submission:

Labcorp Genetics (formerly Invitae), Labcorp
Classification: Uncertain significance for 3-hydroxyisobutyryl-CoA hydrolase deficiency. Last evaluated: 2022-09-12. Review status: criteria provided, single submitter. Criteria: Invitae Variant Classification Sherloc (09022015). Collection method: clinical testing. Allele origin: germline.
Comment: This sequence change affects codon 74 of the HIBCH mRNA. It is a 'silent' change, meaning that it does not change the encoded amino acid sequence of the HIBCH protein. This variant is present in population databases (rs758103320, gnomAD 0.003%). This variant has not been reported in the literature in individuals affected with HIBCH-related conditions. Algorithms developed to predict the effect of sequence changes on RNA splicing suggest that this variant may disrupt the consensus splice site. In summary, the available evidence is currently insufficient to determine the role of this variant in disease. Therefore, it has been classified as a Variant of Uncertain Significance.

NM_014362.4(HIBCH):c.222G>A (p.Lys74=)

Gene: HIBCH (3-hydroxyisobutyryl-CoA hydrolase; minus strand). Cytogenetic location: 2q32.2.
Variant type: single nucleotide variant.
Coding change: c.222G>A on transcript NM_014362.4 (MANE Select); coding-DNA position 222, G replaced by A.
Protein change: p.Lys74=; no amino-acid change (lysine 74 retained).
Molecular consequence: synonymous variant.
Genome position (GRCh38, 1-based): chr2:190,294,628, C>T on the plus strand (G>A on the coding strand, the complement: HIBCH is on the minus strand). VCF-style: chr2-190294628-C-T. GRCh37 (hg19) VCF-style: chr2-191159354-C-T.
Other names: c.222G>A, p.Lys74= (NM_198047.3).
Identifiers: ClinVar variation 1960856 (VCV001960856.5), dbSNP rs758103320, ClinGen allele CA2027727.
Genomic context (GRCh38, chr2:190,294,628, plus strand): 5'-GAAAGCCTTTCCTCCTGCTCCCTTTATAATGATCAGGAAAGTTTCAGGATCTTGTTCCCA[C>T]TTCTATTCAAATGTAACAGAAGATGGTATAAGCATATTATAAACACAAACTCATTAAAGT-3'
Protein context (NP_055177.2, residues 64-84): MIRQIYPQLK[Lys74=]WEQDPETFLI